The following is an entry in ClinVar:

ClinVar aggregate classification (germline): Uncertain significance (1 of 4 stars; one submission).

Conditions:
Cognitive impairment - coarse facies - heart defects - obesity - pulmonary involvement - short stature - skeletal dysplasia syndrome. Also called: COGNITIVE IMPAIRMENT, COARSE FACIES, HEART DEFECTS, OBESITY, PULMONARY INVOLVEMENT, SHORT STATURE, AND SKELETAL DYSPLASIA; Chops syndrome; AFF4-Related CHOPS Syndrome. Identifiers: Orphanet 444077, MedGen C4085597, MONDO:0014609, OMIM 616368.

Submission:

Labcorp Genetics (formerly Invitae), Labcorp
Classification: Uncertain significance for Cognitive impairment - coarse facies - heart defects - obesity - pulmonary involvement - short stature - skeletal dysplasia syndrome. Last evaluated: 2023-03-02. Review status: criteria provided, single submitter. Criteria: Invitae Variant Classification Sherloc (09022015). Collection method: clinical testing. Allele origin: germline.
Comment: In summary, the available evidence is currently insufficient to determine the role of this variant in disease. Therefore, it has been classified as a Variant of Uncertain Significance. Advanced modeling of protein sequence and biophysical properties (such as structural, functional, and spatial information, amino acid conservation, physicochemical variation, residue mobility, and thermodynamic stability) performed at Invitae indicates that this missense variant is not expected to disrupt AFF4 protein function. This variant has not been reported in the literature in individuals affected with AFF4-related conditions. This variant is not present in population databases (gnomAD no frequency). This sequence change replaces proline, which is neutral and non-polar, with threonine, which is neutral and polar, at codon 83 of the AFF4 protein (p.Pro83Thr).

NM_014423.4(AFF4):c.247C>A (p.Pro83Thr)

Gene: AFF4 (ALF transcription elongation factor 4; minus strand). Cytogenetic location: 5q31.1.
Variant type: single nucleotide variant.
Coding change: c.247C>A on transcript NM_014423.4 (MANE Select); coding-DNA position 247, C replaced by A.
Protein change: p.Pro83Thr; replaces proline 83 with threonine.
Molecular consequence: missense variant.
Genome position (GRCh38, 1-based): chr5:132,934,818, G>T on the plus strand (C>A on the coding strand, the complement: AFF4 is on the minus strand). VCF-style: chr5-132934818-G-T. GRCh37 (hg19) VCF-style: chr5-132270510-G-T.
Other names: short protein forms P83T.
Identifiers: ClinVar variation 2842267 (VCV002842267.3), dbSNP rs2532577283, ClinGen allele CA360962289.